The following is an entry in ClinVar:

ClinVar aggregate classification (germline): Uncertain significance (1 of 4 stars; one submission).

Conditions:
Deafness-lymphedema-leukemia syndrome. Also called: Lymphedema, primary, with myelodysplasia; Emberger syndrome. Identifiers: Orphanet 3226, MedGen C3279664, MONDO:0013540, OMIM 614038.
Monocytopenia with susceptibility to infections. Also called: MONOCYTOPENIA AND MYCOBACTERIAL INFECTION SYNDROME; MONOCYTOPENIA WITH SUSCEPTIBILITY TO MYCOBACTERIAL, FUNGAL, AND PAPILLOMAVIRUS INFECTIONS AND MYELODYSPLASIA; COMBINED IMMUNODEFICIENCY WITH SUSCEPTIBILITY TO MYCOBACTERIAL, VIRAL, AND FUNGAL INFECTIONS; IMMUNODEFICIENCY 21; GATA2 DEFICIENCY; Dendritic cell, monocyte, B lymphocyte, and natural killer lymphocyte deficiency. Identifiers: Orphanet 228423, MedGen C3280030, MONDO:0013607, OMIM 614172.

Submission:

Labcorp Genetics (formerly Invitae), Labcorp
Classification: Uncertain significance for Monocytopenia with susceptibility to infections; Deafness-lymphedema-leukemia syndrome. Last evaluated: 2022-08-22. Review status: criteria provided, single submitter. Criteria: Invitae Variant Classification Sherloc (09022015). Collection method: clinical testing. Allele origin: germline.
Comment: In summary, the available evidence is currently insufficient to determine the role of this variant in disease. Therefore, it has been classified as a Variant of Uncertain Significance. Algorithms developed to predict the effect of sequence changes on RNA splicing suggest that this variant may create or strengthen a splice site. Experimental studies and prediction algorithms are not available or were not evaluated, and the functional significance of this variant is currently unknown. ClinVar contains an entry for this variant (Variation ID: 1017513). This variant has not been reported in the literature in individuals affected with GATA2-related conditions. This variant is not present in population databases (gnomAD no frequency). This variant, c.1042_1092dup, results in the insertion of 17 amino acid(s) of the GATA2 protein (p.Cys348_Ala364dup), but otherwise preserves the integrity of the reading frame.

NM_032638.5(GATA2):c.1042_1092dup (p.Cys348_Ala364dup)

Gene: GATA2 (GATA binding protein 2; minus strand). Cytogenetic location: 3q21.3.
Variant type: Duplication.
Coding change: c.1042_1092dup on transcript NM_032638.5 (MANE Select); coding-DNA positions 1042 to 1092, 51 bases duplicated.
Protein change: p.Cys348_Ala364dup.
Molecular consequence: inframe insertion. On other transcripts: splice acceptor variant (1).
Genome position (GRCh38, 1-based): chr3:128,481,870-128,481,920, 51 bases duplicated. GRCh37 (hg19): chr3:128,200,715-128,200,765.
Other names: c.1042_1092dup, p.Cys348_Ala364dup (NM_001145661.2); c.1018-18_1050dup (NM_001145662.1).
Identifiers: ClinVar variation 1017513 (VCV001017513.8), dbSNP rs2068633920, ClinGen allele CA1400715133.